The following is an entry in ClinVar:

ClinVar aggregate classification (germline): Uncertain significance (1 of 4 stars; one submission).

gnomAD v4.1: 14 of 1,614,002 alleles (0.00087%); highest among the groups gnomAD compares: Non-Finnish European, 0.0012%; no homozygotes.

Submission:

Labcorp Genetics (formerly Invitae), Labcorp
Classification: Uncertain significance. Last evaluated: 2024-04-20. Review status: criteria provided, single submitter. Criteria: Invitae Variant Classification Sherloc (09022015). Collection method: clinical testing. Allele origin: germline.
Comment: This sequence change replaces glutamine, which is neutral and polar, with leucine, which is neutral and non-polar, at codon 359 of the CARD8 protein (p.Gln359Leu). This variant is present in population databases (rs767485538, gnomAD 0.007%). This variant has not been reported in the literature in individuals affected with CARD8-related conditions. An algorithm developed to predict the effect of missense changes on protein structure and function (PolyPhen-2) suggests that this variant is likely to be tolerated. In summary, the available evidence is currently insufficient to determine the role of this variant in disease. Therefore, it has been classified as a Variant of Uncertain Significance.

NM_001184900.3(CARD8):c.1226A>T (p.Gln409Leu)

Gene: CARD8 (caspase recruitment domain family member 8; minus strand). Cytogenetic location: 19q13.33.
Variant type: single nucleotide variant.
Coding change: c.1226A>T on transcript NM_001184900.3 (MANE Select); coding-DNA position 1226, A replaced by T.
Protein change: p.Gln409Leu; replaces glutamine 409 with leucine.
Molecular consequence: missense variant. On other transcripts: non-coding transcript variant (2), intron variant (7).
Genome position (GRCh38, 1-based): chr19:48,218,948, T>A on the plus strand (A>T on the coding strand, the complement: CARD8 is on the minus strand). VCF-style: chr19-48218948-T-A. GRCh37 (hg19) VCF-style: chr19-48722205-T-A.
Other names: c.1076A>T, p.Gln359Leu (NM_001184901.1, NM_001351783.2, NM_014959.5); c.1226A>T, p.Gln409Leu (NM_001351782.2); c.911A>T, p.Gln304Leu (NM_001351784.2, NM_001351787.2); c.890A>T, p.Gln297Leu (NM_001351786.2); c.908A>T, p.Gln303Leu (NM_001365950.1); c.846+2782A>T (NM_001351791.2, NM_001351792.2); c.1011+2782A>T (NM_001351788.2, NM_001351789.2); c.918+2782A>T (NM_001351790.2); and 1 more; short protein forms Q297L, Q409L, Q359L, Q303L, Q304L.
Identifiers: ClinVar variation 3680305 (VCV003680305.2).